The following is an entry in ClinVar:

ClinVar aggregate classification (germline): Conflicting classifications of pathogenicity. Review status: criteria provided, conflicting classifications (1 of 4 stars). 3 submissions from 3 submitters: Uncertain significance (2); Likely benign (1). Last evaluated 2026-08-01.

Allele frequency attached by ClinVar (database versions not stated): ESP Exome Variant Server 0.00008; ExAC 0.00013; gnomAD 0.00019; TOPMed 0.00021; gnomAD exomes 0.00022.
gnomAD v4.1: 350 of 1,611,818 alleles (0.022%); highest among the groups gnomAD compares: Non-Finnish European, 0.027%; no homozygotes.

Submissions (3):

CeGaT Center for Human Genetics Tuebingen
Classification: Likely benign. Last evaluated: 2026-08-01. Review status: criteria provided, single submitter. Criteria: CeGaT Center For Human Genetics Tuebingen Variant Classification Criteria Version 2. Collection method: clinical testing. Allele origin: germline. Affected: yes. Observed: 1 variant allele.
Comment: HCK: BP4, BS1

Women's Health and Genetics/Laboratory Corporation of America, LabCorp
Classification: Uncertain significance. Last evaluated: 2025-10-22. Review status: criteria provided, single submitter. Criteria: LabCorp Variant Classification Summary - May 2015. Collection method: clinical testing. Allele origin: germline.
Comment: Variant summary: HCK c.223G>C (p.Glu75Gln) results in a conservative amino acid change in the encoded protein sequence. Algorithms developed to predict the effect of missense changes on protein structure and function all suggest that this variant is likely to be tolerated. The variant allele was found at a frequency of 0.00012 in 249602 control chromosomes. This frequency is not significantly higher than estimated for disease-causing variants in HCK, allowing no conclusion about variant significance. To our knowledge, no occurrence of c.223G>C in individuals affected with HCK-related conditions and no experimental evidence demonstrating its impact on protein function have been reported. ClinVar contains an entry for this variant (Variation ID: 2345356). Based on the evidence outlined above, the variant was classified as uncertain significance.

Ambry Genetics
Classification: Uncertain significance. Last evaluated: 2025-02-21. Review status: criteria provided, single submitter. Criteria: Ambry Variant Classification Scheme 2023. Collection method: clinical testing. Allele origin: germline.

NM_002110.5(HCK):c.223G>C (p.Glu75Gln)

Gene: HCK (HCK proto-oncogene, Src family tyrosine kinase; plus strand). Cytogenetic location: 20q11.21.
Variant type: single nucleotide variant.
Coding change: c.223G>C on transcript NM_002110.5 (MANE Select); coding-DNA position 223, G replaced by C.
Protein change: p.Glu75Gln; replaces glutamic acid 75 with glutamine.
Molecular consequence: missense variant.
Genome position (GRCh38, 1-based): chr20:32,073,358, G>C. VCF-style: chr20-32073358-G-C. GRCh37 (hg19) VCF-style: chr20-30661161-G-C.
Other names: c.160G>C, p.Glu54Gln (NM_001172129.3, NM_001172131.3, NM_001172133.3); c.223G>C, p.Glu75Gln (NM_001172130.3); c.163G>C, p.Glu55Gln (NM_001172132.3); short protein forms E75Q, E54Q, E55Q.
Identifiers: ClinVar variation 2345356 (VCV002345356.5), dbSNP rs201087116, ClinGen allele CA9805720.